The following is an entry in ClinVar:

ClinVar aggregate classification (germline): Pathogenic (1 of 4 stars; one submission).

Conditions:
Neuromuscular disease caused by qualitative or quantitative defects of dysferlin. Also called: Dysferlinopathy; Qualitative or quantitative defects of dysferlin. Identifiers: Orphanet 207073, MedGen C2931687, MONDO:0016145.

Submission:

Labcorp Genetics (formerly Invitae), Labcorp
Classification: Pathogenic for Neuromuscular disease caused by qualitative or quantitative defects of dysferlin. Last evaluated: 2024-04-07. Review status: criteria provided, single submitter. Criteria: Invitae Variant Classification Sherloc (09022015). Collection method: clinical testing. Allele origin: germline.
Comment: This sequence change creates a premature translational stop signal (p.Arg1814Valfs*10) in the DYSF gene. It is expected to result in an absent or disrupted protein product. Loss-of-function variants in DYSF are known to be pathogenic (PMID: 17698709, 20301480). This variant is not present in population databases (gnomAD no frequency). This variant has not been reported in the literature in individuals affected with DYSF-related conditions. For these reasons, this variant has been classified as Pathogenic.

Literature cited by the submitters: PubMed 17698709; PubMed 20301480.

NM_001130987.2(DYSF):c.5557del (p.Arg1853fs)

Gene: DYSF (dysferlin; plus strand). Cytogenetic location: 2p13.2.
Variant type: Deletion.
Coding change: c.5557del on transcript NM_001130987.2 (MANE Select); coding-DNA position 5557, one base deleted (C; older notation c.5557delC).
Protein change: p.Arg1853fs; shifts the reading frame from arginine 1853.
Molecular consequence: frameshift variant.
Genome position (GRCh38, 1-based): chr2:71,669,122, C deleted. VCF-style (leftmost placement, unchanged base first): chr2-71669121-GC-G. GRCh37 (hg19) VCF-style: chr2-71896251-GC-G.
Other names: c.5443del, p.Arg1815fs (NM_001130455.2); c.5398del, p.Arg1800fs (NM_001130976.2); c.5461del, p.Arg1821fs (NM_001130977.2); c.5503del, p.Arg1835fs (NM_001130978.2); c.5533del, p.Arg1845fs (NM_001130979.2); c.5491del, p.Arg1831fs (NM_001130980.2); c.5554del, p.Arg1852fs (NM_001130981.2); c.5536del, p.Arg1846fs (NM_001130982.2); and 5 more; short protein forms R1800fs, R1822fs, R1846fs, R1852fs, R1814fs, R1815fs, R1821fs, R1831fs.
Identifiers: ClinVar variation 3649102 (VCV003649102.2).